The following is an entry in ClinVar:

NM_001126121.2(SLC25A19):c.481G>A (p.Ala161Thr)

Gene: SLC25A19 (solute carrier family 25 member 19; minus strand). Cytogenetic location: 17q25.1.
Variant type: single nucleotide variant.
Coding change: c.481G>A on transcript NM_001126121.2 (MANE Select); coding-DNA position 481, G replaced by A.
Protein change: p.Ala161Thr; replaces alanine 161 with threonine.
Molecular consequence: missense variant.
Genome position (GRCh38, 1-based): chr17:75,278,314, C>T on the plus strand (G>A on the coding strand, the complement: SLC25A19 is on the minus strand). VCF-style: chr17-75278314-C-T. GRCh37 (hg19) VCF-style: chr17-73274395-C-T.
Other names: c.481G>A, p.Ala161Thr (NM_001126122.2, NM_021734.5); short protein forms A161T.
Identifiers: ClinVar variation 438732 (VCV000438732.41), dbSNP rs1208990609, ClinGen allele CA401004168.

ClinVar aggregate classification (germline): Uncertain significance. Review status: criteria provided, multiple submitters, no conflicts (2 of 4 stars). 3 submissions from 3 submitters: Uncertain significance (2). 1 of the submissions does not count toward it. Last evaluated 2025-06-20.

Conditions:
SLC25A19-related disorder. Also called: SLC25A19-related condition.
Progressive demyelinating neuropathy with bilateral striatal necrosis (THMD4). Also called: BILATERAL STRIATAL DEGENERATION AND PROGRESSIVE POLYNEUROPATHY; Thiamine metabolism dysfunction syndrome 4 (progressive polyneuropathy type); Thiamine Metabolism Dysfunction Syndrome 4 (THMD-4). Identifiers: Orphanet 217396, MedGen C3150973, MONDO:0013382, OMIM 613710.

Allele frequency attached by ClinVar (database versions not stated): gnomAD 0.00001; gnomAD exomes 0.00001.
gnomAD v4.1: 17 of 1,613,950 alleles (0.0011%); highest among the groups gnomAD compares: South Asian, 0.0022%; no homozygotes.

Submissions (3):

PreventionGenetics, part of Exact Sciences
Classification: Uncertain significance for SLC25A19-related condition. Last evaluated: 2025-06-20. Review status: criteria provided, single submitter. Criteria: ACMG Guidelines, 2015. Collection method: clinical testing. Allele origin: germline.
Comment: The SLC25A19 c.481G>A variant is predicted to result in the amino acid substitution p.Ala161Thr. This variant has been reported in the compound heterozygous state in an individual with thiamine metabolism dysfunction syndrome (Li et al. 2020. PubMed ID: 32679198). This variant is reported in 0.0065% of alleles in individuals of European (Non-Finnish) descent in gnomAD. At this time, the clinical significance of this variant is uncertain due to the absence of conclusive functional and genetic evidence.

CeGaT Center for Human Genetics Tuebingen
Classification: Uncertain significance. Last evaluated: 2020-10-01. Review status: criteria provided, single submitter. Criteria: CeGaT Center For Human Genetics Tuebingen Variant Classification Criteria Version 2. Collection method: clinical testing. Allele origin: germline. Affected: yes. Observed: 1 variant allele.

Laboratory of Metabolic Disorders, Peking University First Hospital
Classification: Pathogenic for Progressive demyelinating neuropathy with bilateral striatal necrosis. Last evaluated: 2017-09-14. Review status: no assertion criteria provided. Collection method: research. Allele origin: inherited. Affected: yes. Not counted in ClinVar's aggregate classification.